The following is an entry in ClinVar:

ClinVar aggregate classification (germline): Uncertain significance (1 of 4 stars; one submission).

Conditions:
Succinate-semialdehyde dehydrogenase deficiency (SSADHD). Also called: Succinic Semialdehyde Dehydrogenase Deficiency; SSADH DEFICIENCY; 4-HYDROXYBUTYRIC ACIDURIA; GABA METABOLIC DEFECT. Identifiers: Orphanet 22, MedGen C0268631, MONDO:0010083, OMIM 271980.

Allele frequency attached by ClinVar (database versions not stated): gnomAD 0.00009; TOPMed 0.00009.
gnomAD v4.1: 21 of 1,388,378 alleles (0.0015%); highest among the groups gnomAD compares: African/African-American, 0.032%; no homozygotes.

Submission:

Labcorp Genetics (formerly Invitae), Labcorp
Classification: Uncertain significance for Succinate-semialdehyde dehydrogenase deficiency. Last evaluated: 2021-11-15. Review status: criteria provided, single submitter. Criteria: Invitae Variant Classification Sherloc (09022015). Collection method: clinical testing. Allele origin: germline.
Comment: This sequence change replaces arginine, which is basic and polar, with serine, which is neutral and polar, at codon 45 of the ALDH5A1 protein (p.Arg45Ser). This variant is present in population databases (no rsID available, gnomAD 0.01%). This variant has not been reported in the literature in individuals affected with ALDH5A1-related conditions. ClinVar contains an entry for this variant (Variation ID: 857927). Advanced modeling of protein sequence and biophysical properties (such as structural, functional, and spatial information, amino acid conservation, physicochemical variation, residue mobility, and thermodynamic stability) performed at Invitae indicates that this missense variant is not expected to disrupt ALDH5A1 protein function. In summary, the available evidence is currently insufficient to determine the role of this variant in disease. Therefore, it has been classified as a Variant of Uncertain Significance.

NM_001080.3(ALDH5A1):c.133C>A (p.Arg45Ser)

Genes: ALDH5A1 (aldehyde dehydrogenase 5 family member A1; plus strand), GPLD1 (glycosylphosphatidylinositol specific phospholipase D1; minus strand), LOC129995978 (ATAC-STARR-seq lymphoblastoid silent region 16989; plus strand). Cytogenetic location: 6p22.3.
Variant type: single nucleotide variant.
Coding change: c.133C>A on transcript NM_001080.3 (MANE Select); coding-DNA position 133, C replaced by A.
Protein change: p.Arg45Ser; replaces arginine 45 with serine.
Molecular consequence: missense variant.
Genome position (GRCh38, 1-based): chr6:24,495,129, C>A. VCF-style: chr6-24495129-C-A. GRCh37 (hg19) VCF-style: chr6-24495357-C-A.
Other names: c.133C>A, p.Arg45Ser (NM_001368954.1, NM_170740.1); short protein forms R45S.
Identifiers: ClinVar variation 857927 (VCV000857927.5), dbSNP rs1045445950, ClinGen allele CA136122171.
Genomic context (GRCh38, chr6:24,495,129, plus strand): 5'-CGCCCCCGCGCCGGCGGCCTGGTCCCTGCCTCCGGGCCTGCGCCCGGCCCGGCCCAGCTC[C>A]GCTGCTACGCTGGGCGCCTGGCGGGCCTCTCTGCGGCGCTGCTGCGCACCGACAGCTTCG-3'
Protein context (NP_001071.1, residues 35-55): SGPAPGPAQL[Arg45Ser]CYAGRLAGLS